The following is an entry in ClinVar:

ClinVar aggregate classification (germline): Uncertain significance (1 of 4 stars; one submission).

Conditions:
Cowden syndrome 6 (CWS6). Identifiers: Orphanet 201, MedGen C3554519, MONDO:0014048, OMIM 615109.

Allele frequency attached by ClinVar (database versions not stated): gnomAD exomes 0.00001.
gnomAD v4.1: 13 of 1,611,366 alleles (0.00081%); highest among the groups gnomAD compares: East Asian, 0.0022%; no homozygotes.

Submission:

Labcorp Genetics (formerly Invitae), Labcorp
Classification: Uncertain significance for Cowden syndrome 6. Last evaluated: 2022-04-17. Review status: criteria provided, single submitter. Criteria: Invitae Variant Classification Sherloc (09022015). Collection method: clinical testing. Allele origin: germline.
Comment: In summary, the available evidence is currently insufficient to determine the role of this variant in disease. Therefore, it has been classified as a Variant of Uncertain Significance. Algorithms developed to predict the effect of sequence changes on RNA splicing suggest that this variant may create or strengthen a splice site. Algorithms developed to predict the effect of missense changes on protein structure and function (SIFT, PolyPhen-2, Align-GVGD) all suggest that this variant is likely to be disruptive. This variant has not been reported in the literature in individuals affected with AKT1-related conditions. The frequency data for this variant in the population databases is considered unreliable, as metrics indicate poor data quality at this position in the gnomAD database. This sequence change replaces glutamic acid, which is acidic and polar, with lysine, which is basic and polar, at codon 247 of the AKT1 protein (p.Glu247Lys).

NM_001382430.1(AKT1):c.739G>A (p.Glu247Lys)

Gene: AKT1 (AKT serine/threonine kinase 1; minus strand). Cytogenetic location: 14q32.33.
Variant type: single nucleotide variant.
Coding change: c.739G>A on transcript NM_001382430.1 (MANE Select); coding-DNA position 739, G replaced by A.
Protein change: p.Glu247Lys; replaces glutamic acid 247 with lysine.
Molecular consequence: missense variant.
Genome position (GRCh38, 1-based): chr14:104,773,544, C>T on the plus strand (G>A on the coding strand, the complement: AKT1 is on the minus strand). VCF-style: chr14-104773544-C-T. GRCh37 (hg19) VCF-style: chr14-105239881-C-T.
Other names: c.739G>A, p.Glu247Lys (NM_001014431.2, NM_001014432.2, NM_001382431.1 and 3 more transcripts); short protein forms E247K.
Identifiers: ClinVar variation 1912151 (VCV001912151.5), dbSNP rs1165092690, ClinGen allele CA391218463.